The following is an entry in ClinVar:

NM_004562.3(PRKN):c.110C>T (p.Pro37Leu)

Gene: PRKN (parkin RBR E3 ubiquitin protein ligase; minus strand). Cytogenetic location: 6q26.
Variant type: single nucleotide variant.
Coding change: c.110C>T on transcript NM_004562.3 (MANE Select); coding-DNA position 110, C replaced by T.
Protein change: p.Pro37Leu; replaces proline 37 with leucine.
Molecular consequence: missense variant.
Genome position (GRCh38, 1-based): chr6:162,443,371, G>A on the plus strand (C>T on the coding strand, the complement: PRKN is on the minus strand). VCF-style: chr6-162443371-G-A. GRCh37 (hg19) VCF-style: chr6-162864403-G-A.
Other names: p.Pro37Leu; c.110C>T, p.Pro37Leu (NM_013987.3, NM_013988.3); short protein forms P37L.
Identifiers: ClinVar variation 871036 (VCV000871036.51), dbSNP rs148990138, ClinGen allele CA4090511.
Genomic context (GRCh38, chr6:162,443,371, plus strand): 5'-TGCACAGTCCAGTCATTCCTCAGCTCCTTCCCTGCGAAAATCACACGCAACTGGTCAGCC[G>A]GAACCCCCTGTCGCTTAGCAACCACCTCCTTGAGCTGGAAGATGCTGGTGTCAGAATCGA-3'
Protein context (NP_004553.2, residues 27-47): KEVVAKRQGV[Pro37Leu]ADQLRVIFAG

ClinVar aggregate classification (germline): Conflicting classifications of pathogenicity. Review status: criteria provided, conflicting classifications (1 of 4 stars). 5 submissions from 5 submitters: Pathogenic (1); Uncertain significance (3); Likely benign (1). Last evaluated 2025-04-17.

Conditions:
Autosomal recessive juvenile Parkinson disease 2. Also called: Parkinson disease autosomal recessive, early onset; Juvenile parkinsonism; Parkinsonism, early onset, with diurnal fluctuation; Parkinson disease, juvenile, type 2; PRKN-Related Early-Onset Parkinson Disease; PARKINSON DISEASE, JUVENILE, AUTOSOMAL RECESSIVE. Identifiers: Orphanet 2828, MedGen C1868675, MONDO:0010820, OMIM 600116.

Allele frequency attached by ClinVar (database versions not stated): ExAC 0.00012; 1000 Genomes Project 30x 0.00016; gnomAD exomes 0.00019; 1000 Genomes Project 0.00020; ESP Exome Variant Server 0.00023; gnomAD 0.00024; TOPMed 0.00025.
gnomAD v4.1: 660 of 1,613,636 alleles (0.041%); highest among the groups gnomAD compares: Non-Finnish European, 0.053%; 2 homozygotes.

Submissions (5):

Labcorp Genetics (formerly Invitae), Labcorp
Classification: Likely benign. Last evaluated: 2025-04-17. Review status: criteria provided, single submitter. Criteria: Invitae Variant Classification Sherloc (09022015). Collection method: clinical testing. Allele origin: germline.

Blueprint Genetics
Classification: Uncertain significance. Last evaluated: 2024-10-09. Review status: criteria provided, single submitter. Criteria: ACMG Guidelines, 2015. Collection method: clinical testing. Allele origin: germline.

Mayo Clinic Laboratories, Mayo Clinic
Classification: Uncertain significance. Last evaluated: 2024-08-20. Review status: criteria provided, single submitter. Criteria: ACMG Guidelines, 2015. Collection method: clinical testing. Allele origin: germline. Observed: 1 variant allele.
Comment: PP3, PM2

CeGaT Center for Human Genetics Tuebingen
Classification: Pathogenic. Last evaluated: 2020-03-01. Review status: criteria provided, single submitter. Criteria: CeGaT Center For Human Genetics Tuebingen Variant Classification Criteria Version 2. Collection method: clinical testing. Allele origin: germline. Affected: yes. Observed: 2 variant alleles.

Illumina Laboratory Services, Illumina
Classification: Uncertain significance for Autosomal recessive juvenile Parkinson disease 2. Last evaluated: 2017-04-27. Review status: criteria provided, single submitter. Criteria: ICSL Variant Classification Criteria 13 December 2019. Collection method: clinical testing. Allele origin: germline.

Literature cited by the submitters: PubMed 12112109 (cited by Mayo Clinic Laboratories, Mayo Clinic); PubMed 21348451 (cited by Mayo Clinic Laboratories, Mayo Clinic); PubMed 22118943 (cited by Mayo Clinic Laboratories, Mayo Clinic); PubMed 25939424 (cited by Mayo Clinic Laboratories, Mayo Clinic); PubMed 29530980 (cited by Mayo Clinic Laboratories, Mayo Clinic); PubMed 30994895 (cited by Mayo Clinic Laboratories, Mayo Clinic); PubMed 39117722 (cited by Mayo Clinic Laboratories, Mayo Clinic).